The following is an entry in ClinVar:

ClinVar aggregate classification (germline): Uncertain significance (1 of 4 stars; one submission).

gnomAD v4.1: 1 of 1,609,568 alleles (0.000062%); highest among the groups gnomAD compares: Non-Finnish European, 0.000085%; no homozygotes.

Submission:

Labcorp Genetics (formerly Invitae), Labcorp
Classification: Uncertain significance. Last evaluated: 2022-04-17. Review status: criteria provided, single submitter. Criteria: Invitae Variant Classification Sherloc (09022015). Collection method: clinical testing. Allele origin: germline.
Comment: This variant is present in population databases (no rsID available, gnomAD 0.0009%). This sequence change replaces isoleucine, which is neutral and non-polar, with leucine, which is neutral and non-polar, at codon 372 of the PNLIP protein (p.Ile372Leu). This variant has not been reported in the literature in individuals affected with PNLIP-related conditions. Algorithms developed to predict the effect of missense changes on protein structure and function are either unavailable or do not agree on the potential impact of this missense change (SIFT: "Not Available"; PolyPhen-2: "Benign"; Align-GVGD: "Not Available"). In summary, the available evidence is currently insufficient to determine the role of this variant in disease. Therefore, it has been classified as a Variant of Uncertain Significance.

NM_000936.4(PNLIP):c.1114A>T (p.Ile372Leu)

Gene: PNLIP (pancreatic lipase; plus strand). Cytogenetic location: 10q25.3.
Variant type: single nucleotide variant.
Coding change: c.1114A>T on transcript NM_000936.4 (MANE Select); coding-DNA position 1114, A replaced by T.
Protein change: p.Ile372Leu; replaces isoleucine 372 with leucine.
Molecular consequence: missense variant.
Genome position (GRCh38, 1-based): chr10:116,560,469, A>T. VCF-style: chr10-116560469-A-T. GRCh37 (hg19) VCF-style: chr10-118319981-A-T.
Other names: short protein forms I372L.
Identifiers: ClinVar variation 2127206 (VCV002127206.4), dbSNP rs1192685814, ClinGen allele CA378497968.